The following is an entry in ClinVar:

ClinVar aggregate classification (germline): Pathogenic. Review status: criteria provided, multiple submitters, no conflicts (2 of 4 stars). 3 submissions from 3 submitters: Pathogenic (2). 1 of the submissions does not count toward it. Last evaluated 2025-08-18.

Conditions:
Charcot-Marie-Tooth disease axonal type 2S. Also called: CHARCOT-MARIE-TOOTH NEUROPATHY, TYPE 2S; CHARCOT-MARIE-TOOTH DISEASE, AXONAL, AUTOSOMAL RECESSIVE, TYPE 2S. Identifiers: Orphanet 443073, MedGen C4015349, MONDO:0014511, OMIM 616155.
Autosomal recessive distal spinal muscular atrophy 1. Also called: HMN VI; NEURONOPATHY, SEVERE INFANTILE AXONAL, WITH RESPIRATORY FAILURE; SEVERE INFANTILE AXONAL NEUROPATHY WITH RESPIRATORY FAILURE; SPINAL MUSCULAR ATROPHY, DIAPHRAGMATIC; Spinal muscular atrophy with respiratory distress 1; NEURONOPATHY, DISTAL HEREDITARY MOTOR, HARDING TYPE VI. Identifiers: Orphanet 98920, MedGen C1858517, MONDO:0011436, OMIM 604320.
IGHMBP2-related disorder. Also called: IGHMBP2-related condition; IGHMBP2-related disorders.

Submissions (3):

Labcorp Genetics (formerly Invitae), Labcorp
Classification: Pathogenic for Autosomal recessive distal spinal muscular atrophy 1; Charcot-Marie-Tooth disease axonal type 2S. Last evaluated: 2025-08-18. Review status: criteria provided, single submitter. Criteria: Invitae Variant Classification Sherloc (09022015). Collection method: clinical testing. Allele origin: germline.
Comment: This sequence change affects a donor splice site in intron 3 of the IGHMBP2 gene. It is expected to disrupt RNA splicing. Variants that disrupt the donor or acceptor splice site typically lead to a loss of protein function (PMID: 16199547), and loss-of-function variants in IGHMBP2 are known to be pathogenic (PMID: 14681881, 25439726, 25568292). This variant is not present in population databases (gnomAD no frequency). Disruption of this splice site has been observed in individuals with Charcot-Marie-Tooth disease (PMID: 25568292, 27450922). It has also been observed to segregate with disease in related individuals. ClinVar contains an entry for this variant (Variation ID: 534927). Algorithms developed to predict the effect of sequence changes on RNA splicing suggest that this variant may disrupt the consensus splice site. For these reasons, this variant has been classified as Pathogenic.

Baylor Genetics
Classification: Pathogenic for Charcot-Marie-Tooth disease axonal type 2S. Last evaluated: 2018-02-13. Review status: criteria provided, single submitter. Criteria: ACMG Guidelines, 2015. Collection method: clinical testing. Allele origin: paternal. Affected: yes.
Comment: This variant was determined to be pathogenic according to ACMG Guidelines, 2015 [PMID:25741868].

PreventionGenetics, part of Exact Sciences
Classification: Likely pathogenic for IGHMBP2-related condition. Last evaluated: 2024-07-24. Review status: no assertion criteria provided. Collection method: clinical testing. Allele origin: germline. Not counted in ClinVar's aggregate classification.
Comment: The IGHMBP2 c.449+1G>A variant is predicted to disrupt the GT donor site and interfere with normal splicing. This variant has been reported in the compound heterozygous state with an aberrant splicing IGHMBP2 deep intronic variant in an infant with spinal muscular atrophy with respiratory distress type 1 (SMARD1, Bodle et al. 2021. PubMed ID: 33189025). This variant has not been reported in a large population database, indicating this variant is rare. Variants that disrupt the consensus splice donor site in IGHMBP2 are expected to be pathogenic. Additionally, a different nucleotide change impacting the same GT donor site (c.449+1G>T) has been reported in the homozygous state in an infant with SMARD1 (Stalpers et al. 2013. PubMed ID: 23566544). This variant is interpreted as likely pathogenic.

Literature cited by the submitters: PubMed 16199547 (cited by Labcorp Genetics (formerly Invitae), Labcorp); PubMed 14681881 (cited by Labcorp Genetics (formerly Invitae), Labcorp); PubMed 25439726 (cited by Labcorp Genetics (formerly Invitae), Labcorp); PubMed 25568292 (cited by Labcorp Genetics (formerly Invitae), Labcorp); PubMed 27450922 (cited by Labcorp Genetics (formerly Invitae), Labcorp).

NM_002180.3(IGHMBP2):c.449+1G>A

Gene: IGHMBP2 (immunoglobulin mu DNA binding protein 2; plus strand). Cytogenetic location: 11q13.3.
Variant type: single nucleotide variant.
Coding change: c.449+1G>A on transcript NM_002180.3 (MANE Select); the canonical splice donor site of the intron after coding-DNA position 449, G replaced by A.
Molecular consequence: splice donor variant.
Genome position (GRCh38, 1-based): chr11:68,908,338, G>A. VCF-style: chr11-68908338-G-A. GRCh37 (hg19) VCF-style: chr11-68675806-G-A.
Identifiers: ClinVar variation 534927 (VCV000534927.11), dbSNP rs797044802, ClinGen allele CA381643402.
Genomic context (GRCh38, chr11:68,908,338, plus strand): 5'-AGAGAATTCCTACAGACTGTTAAAACTTGCCAATGATGTCACTTACAGGCGACTGAAAAA[G>A]TAAGTGGATGGGACTGGAAATCCTAAGTACCATCTTCCTTCAACACAGCTAATCCATTCT-3'